The following is an entry in ClinVar:

ClinVar aggregate classification (germline): Uncertain significance (1 of 4 stars; one submission).

Submission:

Labcorp Genetics (formerly Invitae), Labcorp
Classification: Uncertain significance. Last evaluated: 2024-12-23. Review status: criteria provided, single submitter. Criteria: Invitae Variant Classification Sherloc (09022015). Collection method: clinical testing. Allele origin: germline.
Comment: This sequence change replaces lysine, which is basic and polar, with glutamine, which is neutral and polar, at codon 256 of the DCX protein (p.Lys256Gln). This variant is not present in population databases (gnomAD no frequency). This missense change has been observed in individual(s) with clinical features of DCX-related conditions (internal data). Invitae Evidence Modeling of protein sequence and biophysical properties (such as structural, functional, and spatial information, amino acid conservation, physicochemical variation, residue mobility, and thermodynamic stability) has been performed for this missense variant. However, the output from this modeling did not meet the statistical confidence thresholds required to predict the impact of this variant on DCX protein function. In summary, the available evidence is currently insufficient to determine the role of this variant in disease. Therefore, it has been classified as a Variant of Uncertain Significance.

NM_001195553.2(DCX):c.766A>C (p.Lys256Gln)

Gene: DCX (doublecortin; minus strand). Cytogenetic location: Xq23.
Variant type: single nucleotide variant.
Coding change: c.766A>C on transcript NM_001195553.2 (MANE Select); coding-DNA position 766, A replaced by C.
Protein change: p.Lys256Gln; replaces lysine 256 with glutamine.
Molecular consequence: missense variant.
Genome position (GRCh38, 1-based): chrX:111,333,093, T>G on the plus strand (A>C on the coding strand, the complement: DCX is on the minus strand). VCF-style: chrX-111333093-T-G. GRCh37 (hg19) VCF-style: chrX-110576321-T-G.
Other names: c.1009A>C, p.Lys337Gln (NM_000555.3); c.766A>C, p.Lys256Gln (NM_001369370.1, NM_001369371.1, NM_001369372.1 and 6 more transcripts); short protein forms K256Q, K337Q.
Identifiers: ClinVar variation 3641749 (VCV003641749.2).